The following is an entry in ClinVar:

ClinVar aggregate classification (germline): Uncertain significance (1 of 4 stars; one submission).

gnomAD v4.1: 2 of 1,606,806 alleles (0.00012%); highest among the groups gnomAD compares: Non-Finnish European, 0.00017%; no homozygotes.

Submission:

Labcorp Genetics (formerly Invitae), Labcorp
Classification: Uncertain significance. Last evaluated: 2024-09-01. Review status: criteria provided, single submitter. Criteria: Invitae Variant Classification Sherloc (09022015). Collection method: clinical testing. Allele origin: germline.
Comment: This sequence change replaces tyrosine, which is neutral and polar, with cysteine, which is neutral and slightly polar, at codon 473 of the DDX58 protein (p.Tyr473Cys). This variant is not present in population databases (gnomAD no frequency). This variant has not been reported in the literature in individuals affected with DDX58-related conditions. Invitae Evidence Modeling of protein sequence and biophysical properties (such as structural, functional, and spatial information, amino acid conservation, physicochemical variation, residue mobility, and thermodynamic stability) indicates that this missense variant is not expected to disrupt DDX58 protein function with a negative predictive value of 80%. In summary, the available evidence is currently insufficient to determine the role of this variant in disease. Therefore, it has been classified as a Variant of Uncertain Significance.

NM_014314.4(RIGI):c.1418A>G (p.Tyr473Cys)

Gene: RIGI (RNA sensor RIG-I; minus strand). Cytogenetic location: 9p21.1.
Variant type: single nucleotide variant.
Coding change: c.1418A>G on transcript NM_014314.4 (MANE Select); coding-DNA position 1418, A replaced by G.
Protein change: p.Tyr473Cys; replaces tyrosine 473 with cysteine.
Molecular consequence: missense variant.
Genome position (GRCh38, 1-based): chr9:32,485,237, T>C on the plus strand (A>G on the coding strand, the complement: RIGI is on the minus strand). VCF-style: chr9-32485237-T-C. GRCh37 (hg19) VCF-style: chr9-32485235-T-C.
Other names: c.1412A>G, p.Tyr471Cys (NM_001385907.1); c.1418A>G, p.Tyr473Cys (NM_001385909.1); c.977A>G, p.Tyr326Cys (NM_001385910.1); c.809A>G, p.Tyr270Cys (NM_001385912.1); c.1403A>G, p.Tyr468Cys (NM_001385913.1); c.974A>G, p.Tyr325Cys (NM_001385914.1); short protein forms Y270C, Y325C, Y326C, Y468C, Y471C, Y473C.
Identifiers: ClinVar variation 3620666 (VCV003620666.2).